The following is an entry in ClinVar:

NM_001372044.2(SHANK3):c.3350C>A (p.Ala1117Glu)

Gene: SHANK3 (SH3 and multiple ankyrin repeat domains 3; plus strand). Cytogenetic location: 22q13.33.
Variant type: single nucleotide variant.
Coding change: c.3350C>A on transcript NM_001372044.2 (MANE Select); coding-DNA position 3350, C replaced by A.
Protein change: p.Ala1117Glu; replaces alanine 1117 with glutamic acid.
Molecular consequence: missense variant.
Genome position (GRCh38, 1-based): chr22:50,720,958, C>A. VCF-style: chr22-50720958-C-A. GRCh37 (hg19) VCF-style: chr22-51159386-C-A.
Other names: c.3125C>A, p.Ala1042Glu (NM_033517.1); short protein forms A1042E, A1117E.
Identifiers: ClinVar variation 3251072 (VCV003251072.18), dbSNP rs2518427031.

ClinVar aggregate classification (germline): Uncertain significance (1 of 4 stars; one submission).

Submission:

CeGaT Center for Human Genetics Tuebingen
Classification: Uncertain significance. Last evaluated: 2024-06-01. Review status: criteria provided, single submitter. Criteria: CeGaT Center For Human Genetics Tuebingen Variant Classification Criteria Version 2. Collection method: clinical testing. Allele origin: germline. Affected: yes. Observed: 1 variant allele.
Comment: SHANK3: PM2